The following is an entry in ClinVar:

NM_001042492.3(NF1):c.3361G>A (p.Glu1121Lys)

Gene: NF1 (neurofibromin 1; plus strand). Cytogenetic location: 17q11.2.
Variant type: single nucleotide variant.
Coding change: c.3361G>A on transcript NM_001042492.3 (MANE Select); coding-DNA position 3361, G replaced by A.
Protein change: p.Glu1121Lys; replaces glutamic acid 1121 with lysine.
Molecular consequence: missense variant.
Genome position (GRCh38, 1-based): chr17:31,232,746, G>A. VCF-style: chr17-31232746-G-A. GRCh37 (hg19) VCF-style: chr17-29559764-G-A.
Other names: c.3361G>A, p.Glu1121Lys (NM_000267.4); short protein forms E1121K.
Identifiers: ClinVar variation 823664 (VCV000823664.7), dbSNP rs1567851029, ClinGen allele CA398989065.

ClinVar aggregate classification (germline): Uncertain significance. Review status: criteria provided, multiple submitters, no conflicts (2 of 4 stars). 2 submissions from 2 submitters: Uncertain significance (2). Last evaluated 2024-01-24.

Conditions:
Hereditary cancer-predisposing syndrome. Also called: Neoplastic Syndromes, Hereditary; Hereditary Cancer Syndrome; Hereditary neoplastic syndrome; Tumor predisposition. Identifiers: Orphanet 140162, MedGen C0027672, MeSH D009386, MONDO:0015356.
Cardiovascular phenotype. Identifiers: MedGen CN230736.
Neurofibromatosis, type 1 (NF1). Also called: Neurofibromatosis, type I; Peripheral type neurofibromatosis; VON RECKLINGHAUSEN DISEASE; NEUROFIBROMATOSIS, TYPE I, SOMATIC. Identifiers: Orphanet 636, MedGen C0027831, MONDO:0018975, OMIM 162200. Disease mechanism: loss of function.

Submissions (2):

Labcorp Genetics (formerly Invitae), Labcorp
Classification: Uncertain significance for Neurofibromatosis, type 1. Last evaluated: 2024-01-24. Review status: criteria provided, single submitter. Criteria: Invitae Variant Classification Sherloc (09022015). Collection method: clinical testing. Allele origin: germline.
Comment: This sequence change replaces glutamic acid, which is acidic and polar, with lysine, which is basic and polar, at codon 1121 of the NF1 protein (p.Glu1121Lys). This variant is not present in population databases (gnomAD no frequency). This variant has not been reported in the literature in individuals affected with NF1-related conditions. ClinVar contains an entry for this variant (Variation ID: 823664). Advanced modeling of protein sequence and biophysical properties (such as structural, functional, and spatial information, amino acid conservation, physicochemical variation, residue mobility, and thermodynamic stability) has been performed at Invitae for this missense variant, however the output from this modeling did not meet the statistical confidence thresholds required to predict the impact of this variant on NF1 protein function. Algorithms developed to predict the effect of sequence changes on RNA splicing suggest that this variant may disrupt the consensus splice site. In summary, the available evidence is currently insufficient to determine the role of this variant in disease. Therefore, it has been classified as a Variant of Uncertain Significance.

Ambry Genetics
Classification: Uncertain significance for Cardiovascular phenotype; Hereditary cancer-predisposing syndrome. Last evaluated: 2018-10-16. Review status: criteria provided, single submitter. Criteria: Ambry Variant Classification Scheme 2023. Collection method: clinical testing. Allele origin: germline.
Comment: The p.E1121K variant (also known as c.3361G>A), located in coding exon 26 of the NF1 gene, results from a G to A substitution at nucleotide position 3361. The glutamic acid at codon 1121 is replaced by lysine, an amino acid with similar properties. This amino acid position is highly conserved in available vertebrate species. In addition, the in silico prediction for this alteration is inconclusive. Since supporting evidence is limited at this time, the clinical significance of this alteration remains unclear.